The following is an entry in ClinVar:

NM_000059.4(BRCA2):c.1545T>C (p.Thr515=)

Gene: BRCA2 (BRCA2 DNA repair associated; plus strand). Cytogenetic location: 13q13.1.
Variant type: single nucleotide variant.
Coding change: c.1545T>C on transcript NM_000059.4 (MANE Select); coding-DNA position 1545, T replaced by C.
Protein change: p.Thr515=; no amino-acid change (threonine 515 retained).
Molecular consequence: synonymous variant.
Genome position (GRCh38, 1-based): chr13:32,333,023, T>C. VCF-style: chr13-32333023-T-C. GRCh37 (hg19) VCF-style: chr13-32907160-T-C.
Identifiers: ClinVar variation 185418 (VCV000185418.25), dbSNP rs786202158, ClinGen allele CA012358.
Genomic context (GRCh38, chr13:32,333,023, plus strand): 5'-TTCTTCATTTCAGGGTATCAAAAAGTCTATATTCAGAATAAGAGAATCACCTAAAGAGAC[T>C]TTCAATGCAAGTTTTTCAGGTCATATGACTGATCCAAACTTTAAAAAAGAAACTGAAGCC-3'
Protein context (NP_000050.3, residues 505-525): IFRIRESPKE[Thr515=]FNASFSGHMT

ClinVar aggregate classification (germline): Likely benign. Review status: reviewed by expert panel (3 of 4 stars). 8 submissions from 8 submitters: Likely benign (1). 7 of the submissions do not count toward it. Last evaluated 2017-06-29.

Conditions:
Hereditary cancer-predisposing syndrome. Also called: Tumor predisposition; Neoplastic Syndromes, Hereditary; Hereditary neoplastic syndrome; Hereditary Cancer Syndrome. Identifiers: Orphanet 140162, MedGen C0027672, MeSH D009386, MONDO:0015356.
Familial cancer of breast. Also called: BREAST CANCER, FAMILIAL; hereditary breast carcinoma; Hereditary breast cancer. Identifiers: Orphanet 227535, MedGen C0346153, MONDO:0016419, OMIM 114480. Disease mechanism: loss of function.
Breast-ovarian cancer, familial, susceptibility to, 2 (BROVCA2). Also called: BRCA2 Hereditary Breast and Ovarian Cancer. Identifiers: Orphanet 145, MedGen C2675520, MONDO:0012933, OMIM 612555. Disease mechanism: loss of function.
Hereditary breast ovarian cancer syndrome. Also called: Hereditary breast and ovarian cancer syndrome; Hereditary breast and ovarian cancer syndrome (HBOC); Hereditary breast and ovarian cancer; Breast and ovarian cancer; BRCA1- and BRCA2-Associated Hereditary Breast and Ovarian Cancer; Hereditary breast and/or ovarian cancer syndrome. Identifiers: Orphanet 145, MedGen C0677776, MeSH D061325, MONDO:0003582. Disease mechanism: loss of function.

gnomAD v4.1: 4 of 1,595,944 alleles (0.00025%); highest among the groups gnomAD compares: Middle Eastern, 0.034%; 1 homozygote.

Submissions (8):

Evidence-based Network for the Interpretation of Germline Mutant Alleles (ENIGMA)
Classification: Likely benign for Breast-ovarian cancer, familial, susceptibility to, 2. Last evaluated: 2017-06-29. Review status: reviewed by expert panel. Criteria: ENIGMA BRCA1/2 Classification Criteria (2017-06-29). Collection method: curation. Allele origin: germline.
Comment: Synonymous substitution variant, with low bioinformatic likelihood to result in a splicing aberration (Splicing prior probability 0.02).

Labcorp Genetics (formerly Invitae), Labcorp
Classification: Likely benign for Hereditary breast ovarian cancer syndrome. Last evaluated: 2026-01-26. Review status: criteria provided, single submitter. Criteria: Invitae Variant Classification Sherloc (09022015). Collection method: clinical testing. Allele origin: germline. Not counted in ClinVar's aggregate classification.

Women's Health and Genetics/Laboratory Corporation of America, LabCorp
Classification: Likely benign. Last evaluated: 2025-02-10. Review status: criteria provided, single submitter. Criteria: LabCorp Variant Classification Summary - May 2015. Collection method: clinical testing. Allele origin: germline. Not counted in ClinVar's aggregate classification.

Blueprint Genetics
Classification: Likely benign. Last evaluated: 2024-01-12. Review status: criteria provided, single submitter. Criteria: ACMG Guidelines, 2015. Collection method: clinical testing. Allele origin: germline. Not counted in ClinVar's aggregate classification.

Department of Pathology and Laboratory Medicine, Sinai Health System
Classification: Likely benign for Familial cancer of breast; Breast-ovarian cancer, familial, susceptibility to, 2. Last evaluated: 2023-12-18. Review status: criteria provided, single submitter. Criteria: ACMG Guidelines, 2015. Collection method: clinical testing. Allele origin: germline. Affected: yes. Not counted in ClinVar's aggregate classification.

GeneDx
Classification: Likely benign. Last evaluated: 2018-11-29. Review status: criteria provided, single submitter. Criteria: GeneDx Variant Classification Process June 2021. Collection method: clinical testing. Allele origin: germline. Affected: yes. Not counted in ClinVar's aggregate classification.

Color Diagnostics, LLC DBA Color Health
Classification: Likely benign for Hereditary cancer-predisposing syndrome. Last evaluated: 2018-04-19. Review status: criteria provided, single submitter. Criteria: ACMG Guidelines, 2015. Collection method: clinical testing. Allele origin: germline. Not counted in ClinVar's aggregate classification.

Ambry Genetics
Classification: Likely benign for Hereditary cancer-predisposing syndrome. Last evaluated: 2014-06-16. Review status: criteria provided, single submitter. Criteria: Ambry Variant Classification Scheme 2023. Collection method: clinical testing. Allele origin: germline. Not counted in ClinVar's aggregate classification.